The following is an entry in ClinVar:

NM_002693.3(POLG):c.1547_1549del (p.Glu516del)

Gene: POLG (DNA polymerase gamma, catalytic subunit; minus strand). Cytogenetic location: 15q26.1.
Variant type: Deletion.
Coding change: c.1547_1549del on transcript NM_002693.3 (MANE Select); coding-DNA positions 1547 to 1549, 3 bases deleted (AGG; older notation c.1547_1549delAGG).
Protein change: p.Glu516del; deletes glutamic acid 516.
Molecular consequence: inframe deletion.
Genome position (GRCh38, 1-based): chr15:89,326,948-89,326,950, CCT deleted on the plus strand (AGG on the coding strand, the reverse complement: POLG is on the minus strand); deleting any 3 consecutive bases within chr15:89,326,948-89,326,951 gives the same sequence; the c. name uses the placement nearest the transcript's 3' end. VCF-style (leftmost placement, unchanged base first): chr15-89326947-CCCT-C. GRCh37 (hg19) VCF-style: chr15-89870178-CCCT-C.
Other names: c.1547_1549del, p.Glu516del (NM_001126131.2); short protein forms E516del.
Identifiers: ClinVar variation 1429085 (VCV001429085.10), dbSNP rs781424514, ClinGen allele CA7724810.
Genomic context (GRCh38, chr15:89,326,947, plus strand): 5'-CCTACCTCCCACCCATGCTCCCCACCTTCCTGATCCATGGGATCACCAGGGGCCCCAGCC[CCCT>C]CGATGGGCAACTTGCTGGCTGTGGCTGGTTCCTTCTTCACCTTCTTAGCTTTCTTCTGCT-3'

ClinVar aggregate classification (germline): Uncertain significance. Review status: criteria provided, multiple submitters, no conflicts (2 of 4 stars). 3 submissions from 3 submitters: Uncertain significance (3). Last evaluated 2026-01-05.

Conditions:
Progressive sclerosing poliodystrophy (MTDPS4A). Also called: ALPERS PROGRESSIVE INFANTILE POLIODYSTROPHY; Alpers Syndrome; ALPERS DIFFUSE DEGENERATION OF CEREBRAL GRAY MATTER WITH HEPATIC CIRRHOSIS; Alpers-Huttenlocher Syndrome; Mitochondrial DNA depletion syndrome 4A (Alpers type); NEURONAL DEGENERATION OF CHILDHOOD WITH LIVER DISEASE, PROGRESSIVE. Identifiers: Orphanet 726, MedGen C0205710, MONDO:0008758, OMIM 203700.
POLG-related disorder. Also called: POLG-Related Spectrum Disorders; POLG-related condition; POLG-Related Disorders. Identifiers: MedGen C4763519.

Submissions (3):

Myriad Genetics, Inc.
Classification: Uncertain significance for POLG-related disorder. Last evaluated: 2026-01-05. Review status: criteria provided, single submitter. Criteria: Myriad Autosomal Dominant, Autosomal Recessive and X-Linked Classification Criteria (2023). Collection method: clinical testing. Allele origin: unknown.
Comment: NM_002693.2(POLG):c.1547_1549delAGG(E516del) is an in-frame deletion classified as a variant of uncertain significance in the context of POLG-related disorders. E516del has not been observed in cases with relevant disease. Relevant functional assessments of this variant are not available in the literature. E516del has been observed in referenced population frequency databases. In summary, there is insufficient evidence to classify NM_002693.2(POLG):c.1547_1549delAGG(E516del) as pathogenic or benign. Please note: this variant was assessed in the context of healthy population screening.

Blueprint Genetics
Classification: Uncertain significance. Last evaluated: 2024-05-19. Review status: criteria provided, single submitter. Criteria: ACMG Guidelines, 2015. Collection method: clinical testing. Allele origin: germline.

Labcorp Genetics (formerly Invitae), Labcorp
Classification: Uncertain significance for Progressive sclerosing poliodystrophy. Last evaluated: 2021-12-24. Review status: criteria provided, single submitter. Criteria: Invitae Variant Classification Sherloc (09022015). Collection method: clinical testing. Allele origin: germline.
Comment: This variant, c.1547_1549del, results in the deletion of 1 amino acid(s) of the POLG protein (p.Glu516del), but otherwise preserves the integrity of the reading frame. This variant is present in population databases (rs781424514, gnomAD 0.004%). This variant has not been reported in the literature in individuals affected with POLG-related conditions. Experimental studies and prediction algorithms are not available or were not evaluated, and the functional significance of this variant is currently unknown. In summary, the available evidence is currently insufficient to determine the role of this variant in disease. Therefore, it has been classified as a Variant of Uncertain Significance.